The following is an entry in ClinVar:

ClinVar aggregate classification (germline): Uncertain significance. Review status: criteria provided, multiple submitters, no conflicts (2 of 4 stars). 2 submissions from 2 submitters: Uncertain significance (2). Last evaluated 2023-01-29.

Conditions:
Hereditary cancer-predisposing syndrome. Also called: Neoplastic Syndromes, Hereditary; Hereditary Cancer Syndrome; Tumor predisposition; Hereditary neoplastic syndrome. Identifiers: Orphanet 140162, MedGen C0027672, MeSH D009386, MONDO:0015356.
Ataxia-telangiectasia-like disorder (ATLD). Identifiers: MedGen C1858391, MONDO:0011457.

Submissions (2):

Ambry Genetics
Classification: Uncertain significance for Hereditary cancer-predisposing syndrome. Last evaluated: 2023-01-29. Review status: criteria provided, single submitter. Criteria: Ambry Variant Classification Scheme 2023. Collection method: clinical testing. Allele origin: germline.
Comment: The p.F25C variant (also known as c.74T>G), located in coding exon 2 of the MRE11A gene, results from a T to G substitution at nucleotide position 74. The phenylalanine at codon 25 is replaced by cysteine, an amino acid with highly dissimilar properties. This amino acid position is conserved. In addition, the in silico prediction for this alteration is inconclusive. Since supporting evidence is limited at this time, the clinical significance of this alteration remains unclear.

Labcorp Genetics (formerly Invitae), Labcorp
Classification: Uncertain significance for Ataxia-telangiectasia-like disorder. Last evaluated: 2019-06-29. Review status: criteria provided, single submitter. Criteria: Invitae Variant Classification Sherloc (09022015). Collection method: clinical testing. Allele origin: germline.
Comment: This sequence change replaces phenylalanine with cysteine at codon 25 of the MRE11 protein (p.Phe25Cys). The phenylalanine residue is weakly conserved and there is a large physicochemical difference between phenylalanine and cysteine. This variant is not present in population databases (ExAC no frequency). This variant has not been reported in the literature in individuals with MRE11-related conditions. Algorithms developed to predict the effect of missense changes on protein structure and function are either unavailable or do not agree on the potential impact of this missense change (SIFT: "Deleterious"; PolyPhen-2: "Probably Damaging"; Align-GVGD: "Class C0"). Algorithms developed to predict the effect of sequence changes on RNA splicing suggest that this variant may create or strengthen a splice site, but this prediction has not been confirmed by published transcriptional studies. In summary, the available evidence is currently insufficient to determine the role of this variant in disease. Therefore, it has been classified as a Variant of Uncertain Significance.

NM_005591.4(MRE11):c.74T>G (p.Phe25Cys)

Gene: MRE11 (MRE11 double strand break repair nuclease; minus strand). Cytogenetic location: 11q21.
Variant type: single nucleotide variant.
Coding change: c.74T>G on transcript NM_005591.4 (MANE Select); coding-DNA position 74, T replaced by G.
Protein change: p.Phe25Cys; replaces phenylalanine 25 with cysteine.
Molecular consequence: missense variant.
Genome position (GRCh38, 1-based): chr11:94,490,912, A>C on the plus strand (T>G on the coding strand, the complement: MRE11 is on the minus strand). VCF-style: chr11-94490912-A-C. GRCh37 (hg19) VCF-style: chr11-94224078-A-C.
Other names: c.74T>G, p.Phe25Cys (NM_001330347.2, NM_005590.4); short protein forms F25C.
Identifiers: ClinVar variation 942883 (VCV000942883.11), dbSNP rs1947266764, ClinGen allele CA382380902.